The following is an entry in ClinVar:

ClinVar aggregate classification (germline): Likely pathogenic (1 of 4 stars; one submission).

Conditions:
MPI-congenital disorder of glycosylation. Also called: MANNOSEPHOSPHATE ISOMERASE DEFICIENCY; MPI DEFICIENCY; PROTEIN-LOSING ENTEROPATHY-HEPATIC FIBROSIS SYNDROME; MPI-CDG; CONGENITAL DISORDER OF GLYCOSYLATION, TYPE Ib; CDG Ib. Identifiers: Orphanet 79319, MedGen C1865145, MONDO:0011257, OMIM 602579.

Submission:

Labcorp Genetics (formerly Invitae), Labcorp
Classification: Likely pathogenic for MPI-congenital disorder of glycosylation. Last evaluated: 2020-08-11. Review status: criteria provided, single submitter. Criteria: Invitae Variant Classification Sherloc (09022015). Collection method: clinical testing. Allele origin: germline.
Comment: This variant disrupts the p.Ile398 amino acid residue in MPI. Other variant(s) that disrupt this residue have been determined to be pathogenic (PMID: 10484808, 30545931). This suggests that this residue is clinically significant, and that variants that disrupt this residue are likely to be disease-causing. In summary, the currently available evidence indicates that the variant is pathogenic, but additional data are needed to prove that conclusively. Therefore, this variant has been classified as Likely Pathogenic. This variant has not been reported in the literature in individuals with MPI-related conditions. This variant is not present in population databases (ExAC no frequency). This sequence change results in a premature translational stop signal in the MPI gene (p.Tyr334Serfs*14). While this is not anticipated to result in nonsense mediated decay, it is expected to disrupt the last 90 amino acids of the MPI protein.

Literature cited by the submitters: PubMed 10484808; PubMed 30545931.

NM_002435.3(MPI):c.1001_1004del (p.Tyr334fs)

Gene: MPI (mannose phosphate isomerase; plus strand). Cytogenetic location: 15q24.1.
Variant type: Deletion.
Coding change: c.1001_1004del on transcript NM_002435.3 (MANE Select); coding-DNA positions 1001 to 1004, 4 bases deleted (ACCT; older notation c.1001_1004delACCT).
Protein change: p.Tyr334fs; shifts the reading frame from tyrosine 334.
Molecular consequence: frameshift variant. On other transcripts: intron variant (1).
Genome position (GRCh38, 1-based): chr15:74,897,167-74,897,170, ACCT deleted; deleting any 4 consecutive bases within chr15:74,897,164-74,897,170 gives the same sequence; the c. name uses the placement nearest the transcript's 3' end. VCF-style (leftmost placement, unchanged base first): chr15-74897163-CCCTA-C. GRCh37 (hg19) VCF-style: chr15-75189504-CCCTA-C.
Other names: c.851_854del, p.Tyr284fs (NM_001289156.2); c.818_821del, p.Tyr273fs (NM_001289157.2); c.941_944del, p.Tyr314fs (NM_001330372.2); c.845-345_845-342del (NM_001289155.2); short protein forms Y273fs, Y284fs, Y314fs, Y334fs.
Identifiers: ClinVar variation 1068036 (VCV001068036.9), dbSNP rs2141208628, ClinGen allele CA2499223095.
Genomic context (GRCh38, chr15:74,897,163, plus strand): 5'-AGCTATACCCCTAGCTCCAGCAAGGACAGGCTCTTTCTCCCAACACGGAGTCAGGAAGAC[CCCTA>C]CCTCTCAATCTATGACCCCCCTGTACCAGACTTCACCATTATGAAGACGGAGGTGAGTGA-3'